The following is an entry in ClinVar:

ClinVar aggregate classification (germline): Pathogenic. Review status: criteria provided, single submitter (1 of 4 stars). 2 submissions from 2 submitters: Pathogenic (1). 1 of the submissions does not count toward it. Last evaluated 2024-01-19.

Conditions:
Hereditary fructosuria. Also called: ALDOB DEFICIENCY; ALDOLASE B DEFICIENCY; FRUCTOSE-1,6-BISPHOSPHATE ALDOLASE B DEFICIENCY; FRUCTOSE-1-PHOSPHATE ALDOLASE DEFICIENCY; FRUCTOSEMIA; Fructose intolerance. Identifiers: Orphanet 469, MedGen C0016751, MONDO:0009249, OMIM 229600, HP:0005973. Disease mechanism: loss of function.

Submissions (2):

GeneDx
Classification: Pathogenic. Last evaluated: 2024-01-19. Review status: criteria provided, single submitter. Criteria: GeneDx Variant Classification Process June 2021. Collection method: clinical testing. Allele origin: germline. Affected: yes.
Comment: Not observed at significant frequency in large population cohorts (gnomAD); Canonical splice site variant predicted to result in a null allele in a gene for which loss of function is a known mechanism of disease; This variant is associated with the following publications: (PMID: 20848650, 15880727)

ATS em Genética Clínica, Universidade Federal do Rio Grande do Sul
Classification: Likely pathogenic for Hereditary fructosuria. Last evaluated: 2021-03-18. Review status: no assertion criteria provided. Collection method: literature only. Allele origin: unknown. Affected: yes. Not counted in ClinVar's aggregate classification.

Literature cited by the submitters: PubMed 15880727 (cited by ATS em Genética Clínica, Universidade Federal do Rio Grande do Sul).

NM_000035.4(ALDOB):c.799+2T>A

Gene: ALDOB (aldolase, fructose-bisphosphate B; minus strand). Cytogenetic location: 9q31.1.
Variant type: single nucleotide variant.
Coding change: c.799+2T>A on transcript NM_000035.4 (MANE Select); the canonical splice donor site of the intron after coding-DNA position 799, T replaced by A.
Molecular consequence: splice donor variant.
Genome position (GRCh38, 1-based): chr9:101,425,451, A>T on the plus strand (T>A on the coding strand, the complement: ALDOB is on the minus strand). VCF-style: chr9-101425451-A-T. GRCh37 (hg19) VCF-style: chr9-104187733-A-T.
Identifiers: ClinVar variation 1065878 (VCV001065878.2), dbSNP rs2118345193, ClinGen allele CA374264608.